The following is an entry in ClinVar:

ClinVar aggregate classification (germline): Uncertain significance (1 of 4 stars; one submission).

Conditions:
Charcot-Marie-Tooth disease type 4. Also called: Charcot-Marie-Tooth disease, type IV; Charcot-Marie-Tooth, Type 4. Identifiers: Orphanet 64749, MedGen C4082197, MONDO:0018995.

Submission:

Labcorp Genetics (formerly Invitae), Labcorp
Classification: Uncertain significance for Charcot-Marie-Tooth disease type 4. Last evaluated: 2020-12-20. Review status: criteria provided, single submitter. Criteria: Invitae Variant Classification Sherloc (09022015). Collection method: clinical testing. Allele origin: germline.
Comment: Algorithms developed to predict the effect of missense changes on protein structure and function are either unavailable or do not agree on the potential impact of this missense change (SIFT: "Deleterious"; PolyPhen-2: "Possibly Damaging"; Align-GVGD: "Class C0"). In summary, the available evidence is currently insufficient to determine the role of this variant in disease. Therefore, it has been classified as a Variant of Uncertain Significance. This variant has not been reported in the literature in individuals with MTMR2-related conditions. The frequency data for this variant in the population databases is considered unreliable, as metrics indicate insufficient coverage at this position in the ExAC database. This sequence change replaces leucine with phenylalanine at codon 25 of the MTMR2 protein (p.Leu25Phe). The leucine residue is moderately conserved and there is a small physicochemical difference between leucine and phenylalanine.

NM_016156.6(MTMR2):c.75G>C (p.Leu25Phe)

Gene: MTMR2 (myotubularin related protein 2; minus strand). Cytogenetic location: 11q21.
Variant type: single nucleotide variant.
Coding change: c.75G>C on transcript NM_016156.6 (MANE Select); coding-DNA position 75, G replaced by C.
Protein change: p.Leu25Phe; replaces leucine 25 with phenylalanine.
Molecular consequence: missense variant. On other transcripts: 5 prime UTR variant (3).
Genome position (GRCh38, 1-based): chr11:95,923,880, C>G on the plus strand (G>C on the coding strand, the complement: MTMR2 is on the minus strand). VCF-style: chr11-95923880-C-G. GRCh37 (hg19) VCF-style: chr11-95657044-C-G.
Other names: c.-409G>C (NM_001243571.2); c.-336G>C (NM_201278.3); c.-213G>C (NM_201281.3); short protein forms L25F.
Identifiers: ClinVar variation 1495183 (VCV001495183.8), dbSNP rs1376231939, ClinGen allele CA382416088.